The following is an entry in ClinVar:

NM_012090.5(MACF1):c.145C>A (p.Leu49Met)

Gene: MACF1 (microtubule actin crosslinking factor 1; plus strand). Cytogenetic location: 1p34.3.
Variant type: single nucleotide variant.
Coding change: c.145C>A on transcript NM_012090.5; coding-DNA position 145, C replaced by A.
Protein change: p.Leu49Met; replaces leucine 49 with methionine.
Molecular consequence: missense variant.
Genome position (GRCh38, 1-based): chr1:39,084,363, C>A. VCF-style: chr1-39084363-C-A. GRCh37 (hg19) VCF-style: chr1-39550035-C-A.
Other names: short protein forms L49M.
Identifiers: ClinVar variation 1715868 (VCV001715868.7), dbSNP rs758748206, ClinGen allele CA779036.

ClinVar aggregate classification (germline): Conflicting classifications of pathogenicity. Review status: criteria provided, conflicting classifications (1 of 4 stars). 2 submissions from 2 submitters: Uncertain significance (1); Likely benign (1). Last evaluated 2024-09-30.

Conditions:
Inborn genetic diseases. Identifiers: MedGen C0950123, MeSH D030342.

Allele frequency attached by ClinVar (database versions not stated): gnomAD 0.00001; gnomAD exomes 0.00001; TOPMed 0.00002; ExAC 0.00002.
gnomAD v4.1: 8 of 1,613,772 alleles (0.0005%); highest among the groups gnomAD compares: East Asian, 0.0045%; no homozygotes.

Submissions (2):

Ambry Genetics
Classification: Likely benign for Inborn genetic diseases. Last evaluated: 2024-09-30. Review status: criteria provided, single submitter. Criteria: Ambry Variant Classification Scheme 2023. Collection method: clinical testing. Allele origin: germline.

Labcorp Genetics (formerly Invitae), Labcorp
Classification: Uncertain significance. Last evaluated: 2022-08-09. Review status: criteria provided, single submitter. Criteria: Invitae Variant Classification Sherloc (09022015). Collection method: clinical testing. Allele origin: germline.
Comment: In summary, the available evidence is currently insufficient to determine the role of this variant in disease. Therefore, it has been classified as a Variant of Uncertain Significance. Algorithms developed to predict the effect of missense changes on protein structure and function are either unavailable or do not agree on the potential impact of this missense change (SIFT: "Tolerated"; PolyPhen-2: "Probably Damaging"; Align-GVGD: "Class C0"). This variant has not been reported in the literature in individuals affected with MACF1-related conditions. This variant is present in population databases (rs758748206, gnomAD 0.003%). This sequence change replaces leucine, which is neutral and non-polar, with methionine, which is neutral and non-polar, at codon 49 of the MACF1 protein (p.Leu49Met).